The following is an entry in ClinVar:

ClinVar aggregate classification (germline): Benign/Likely benign. Review status: criteria provided, multiple submitters, no conflicts (2 of 4 stars). 3 submissions from 3 submitters: Benign (1); Likely benign (2). Last evaluated 2025-07-15.

Conditions:
Ovarian cancer. Also called: OVARIAN CANCER, SOMATIC. Identifiers: Orphanet 213500, MedGen C1140680, MONDO:0008170, OMIM 167000.
Familial cancer of breast. Also called: hereditary breast carcinoma; BREAST CANCER, FAMILIAL; Hereditary breast cancer. Identifiers: Orphanet 227535, MedGen C0346153, MONDO:0016419, OMIM 114480. Disease mechanism: loss of function.
Hereditary diffuse gastric adenocarcinoma (HDGC). Also called: DIFFUSE GASTRIC AND LOBULAR BREAST CANCER SYNDROME. Identifiers: Orphanet 26106, MedGen C1708349, MONDO:0007648, OMIM 137215.

Submissions (3):

Labcorp Genetics (formerly Invitae), Labcorp
Classification: Likely benign for Hereditary diffuse gastric adenocarcinoma. Last evaluated: 2025-07-15. Review status: criteria provided, single submitter. Criteria: Invitae Variant Classification Sherloc (09022015). Collection method: clinical testing. Allele origin: germline.

Myriad Genetics, Inc.
Classification: Benign for Hereditary diffuse gastric adenocarcinoma. Last evaluated: 2024-09-17. Review status: criteria provided, single submitter. Criteria: Myriad Autosomal Dominant, Autosomal Recessive and X-Linked Classification Criteria (2023). Collection method: clinical testing. Allele origin: unknown.
Comment: This variant is considered benign. This variant is a silent/synonymous amino acid change and it is not expected to impact splicing.

Department of Pathology and Laboratory Medicine, Sinai Health System
Classification: Likely benign for Familial cancer of breast; Ovarian cancer. Last evaluated: 2024-04-18. Review status: criteria provided, single submitter. Criteria: ACMG Guidelines, 2015. Collection method: clinical testing. Allele origin: germline. Affected: yes.

NM_004360.5(CDH1):c.1065A>G (p.Leu355=)

Gene: CDH1 (cadherin 1; plus strand). Cytogenetic location: 16q22.1.
Variant type: single nucleotide variant.
Coding change: c.1065A>G on transcript NM_004360.5 (MANE Select); coding-DNA position 1065, A replaced by G.
Protein change: p.Leu355=; no amino-acid change (leucine 355 retained).
Molecular consequence: synonymous variant. On other transcripts: 5 prime UTR variant (2).
Genome position (GRCh38, 1-based): chr16:68,812,191, A>G. VCF-style: chr16-68812191-A-G. GRCh37 (hg19) VCF-style: chr16-68846094-A-G.
Other names: c.1065A>G, p.Leu355= (NM_001317184.2); c.-551A>G (NM_001317185.2); c.-755A>G (NM_001317186.2).
Identifiers: ClinVar variation 3378419 (VCV003378419.3).